The following is an entry in ClinVar:

ClinVar aggregate classification (germline): Likely pathogenic (1 of 4 stars; one submission).

Conditions:
Charlevoix-Saguenay spastic ataxia (SACS). Also called: AUTOSOMAL RECESSIVE SPASTIC ATAXIA OF CHARLEVOIX-SAGUENAY; Spastic ataxia of Charlevoix-Saguenay; SPASTIC ATAXIA 6, AUTOSOMAL RECESSIVE. Identifiers: Orphanet 98, MedGen C1849140, MONDO:0010041, OMIM 270550.

Submission:

Natera, Inc.
Classification: Likely pathogenic for Charlevoix-Saguenay type spastic ataxia. Last evaluated: 2025-10-30. Review status: criteria provided, single submitter. Criteria: Natera Variant Classification Schema (03/2026). Collection method: clinical testing. Allele origin: germline.
Comment: The c.11468del variant in SACS is a frameshift variant predicted to shift the reading frame beginning at codon 3823 and leads to a stop codon 8 codons downstream. This variant is expected to result in nonsense mediated decay, truncation, or a dysfunctional protein product. This variant is rare in the general population with a frequency below the threshold expected for the associated phenotype(s). Given the available evidence, this variant is classified as Likely Pathogenic.

NM_014363.6(SACS):c.11468del (p.Pro3823fs)

Gene: SACS (sacsin molecular chaperone; minus strand). Cytogenetic location: 13q12.12.
Variant type: Deletion.
Coding change: c.11468del on transcript NM_014363.6 (MANE Select); coding-DNA position 11468, one base deleted (C; older notation c.11468delC).
Protein change: p.Pro3823fs; shifts the reading frame from proline 3823.
Molecular consequence: frameshift variant.
Genome position (GRCh38, 1-based): chr13:23,332,408, G deleted on the plus strand (C on the coding strand, the reverse complement: SACS is on the minus strand); the first of 2 consecutive G bases (chr13:23,332,408-23,332,409); deleting either gives the same sequence. VCF-style (leftmost placement, unchanged base first): chr13-23332407-AG-A. GRCh37 (hg19) VCF-style: chr13-23906546-AG-A.
Other names: c.11027del, p.Pro3676fs (NM_001278055.2); c.11495del, p.Pro3832fs (NM_001437336.1); short protein forms P3676fs, P3823fs, P3832fs.
Identifiers: ClinVar variation 4815672 (VCV004815672.1).
Genomic context (GRCh38, chr13:23,332,407, plus strand): 5'-ACCTAAGTGTTTGAACAACTGGTGAAATGTGCCAAGTTCTAAAGGTAGCTTGTACAAATA[AG>A]GTTTAAAATCAGATTCATATTCTAGGTTTATGACTACCTCCTCAGGCTTCAGAAGTTTCC-3'